The following is an entry in ClinVar:

NM_032806.6(POMGNT2):c.215G>A (p.Arg72His)

Gene: POMGNT2 (protein O-linked mannose N-acetylglucosaminyltransferase 2 (beta 1,4-); minus strand). Cytogenetic location: 3p22.1.
Variant type: single nucleotide variant.
Coding change: c.215G>A on transcript NM_032806.6 (MANE Select); coding-DNA position 215, G replaced by A.
Protein change: p.Arg72His; replaces arginine 72 with histidine.
Molecular consequence: missense variant.
Genome position (GRCh38, 1-based): chr3:43,081,217, C>T on the plus strand (G>A on the coding strand, the complement: POMGNT2 is on the minus strand). VCF-style: chr3-43081217-C-T. GRCh37 (hg19) VCF-style: chr3-43122709-C-T.
Other names: short protein forms R72H.
Identifiers: ClinVar variation 1024743 (VCV001024743.2), dbSNP rs774060112, ClinGen allele CA2340131.

ClinVar aggregate classification (germline): Uncertain significance (1 of 4 stars; one submission).

Conditions:
Muscular dystrophy-dystroglycanopathy (congenital with brain and eye anomalies), type a, 8 (MDDGA8). Also called: WALKER-WARBURG SYNDROME OR MUSCLE-EYE-BRAIN DISEASE, GTDC2-RELATED. Identifiers: Orphanet 899, MedGen C3553813, MONDO:0013904, OMIM 614830.

Allele frequency attached by ClinVar (database versions not stated): TOPMed below 0.00001; gnomAD exomes 0.00001 and 0.00002; ExAC 0.00003.
gnomAD v4.1: 18 of 1,613,978 alleles (0.0011%); highest among the groups gnomAD compares: South Asian, 0.012%; no homozygotes.

Submission:

Labcorp Genetics (formerly Invitae), Labcorp
Classification: Uncertain significance for Muscular dystrophy-dystroglycanopathy (congenital with brain and eye anomalies), type a, 8. Last evaluated: 2021-08-28. Review status: criteria provided, single submitter. Criteria: Invitae Variant Classification Sherloc (09022015). Collection method: clinical testing. Allele origin: germline.
Comment: This sequence change replaces arginine with histidine at codon 72 of the POMGNT2 protein (p.Arg72His). The arginine residue is highly conserved and there is a small physicochemical difference between arginine and histidine. This variant is present in population databases (rs774060112, ExAC 0.02%). This variant has not been reported in the literature in individuals affected with POMGNT2-related conditions. Algorithms developed to predict the effect of missense changes on protein structure and function are either unavailable or do not agree on the potential impact of this missense change (SIFT: "Deleterious"; PolyPhen-2: "Probably Damaging"; Align-GVGD: "Class C0"). In summary, the available evidence is currently insufficient to determine the role of this variant in disease. Therefore, it has been classified as a Variant of Uncertain Significance.